The following is an entry in ClinVar:

ClinVar aggregate classification (germline): Uncertain significance. Review status: criteria provided, multiple submitters, no conflicts (2 of 4 stars). 2 submissions from 2 submitters: Uncertain significance (2). Last evaluated 2025-06-18.

Conditions:
Renal cell carcinoma. Identifiers: Orphanet 217071, MedGen C0007134, MeSH D002292, MONDO:0005086, HP:0005584.
Hereditary cancer-predisposing syndrome. Also called: Neoplastic Syndromes, Hereditary; Tumor predisposition; Hereditary Cancer Syndrome; Hereditary neoplastic syndrome. Identifiers: Orphanet 140162, MedGen C0027672, MeSH D009386, MONDO:0015356.

Allele frequency attached by ClinVar (database versions not stated): gnomAD 0.00001; TOPMed 0.00001.
gnomAD v4.1: 1 of 1,614,038 alleles (0.000062%); highest among the groups gnomAD compares: African/African-American, 0.0013%; no homozygotes.

Submissions (2):

Ambry Genetics
Classification: Uncertain significance for Hereditary cancer-predisposing syndrome. Last evaluated: 2025-06-18. Review status: criteria provided, single submitter. Criteria: Ambry Variant Classification Scheme 2023. Collection method: clinical testing. Allele origin: germline.
Comment: The p.F535S variant (also known as c.1604T>C), located in coding exon 4 of the MET gene, results from a T to C substitution at nucleotide position 1604. The phenylalanine at codon 535 is replaced by serine, an amino acid with highly dissimilar properties. This amino acid position is highly conserved in available vertebrate species. In addition, this alteration is predicted to be tolerated by in silico analysis. Based on the available evidence, the clinical significance of this variant remains unclear.

Labcorp Genetics (formerly Invitae), Labcorp
Classification: Uncertain significance for Renal cell carcinoma. Last evaluated: 2023-11-04. Review status: criteria provided, single submitter. Criteria: Invitae Variant Classification Sherloc (09022015). Collection method: clinical testing. Allele origin: germline.
Comment: This sequence change replaces phenylalanine, which is neutral and non-polar, with serine, which is neutral and polar, at codon 535 of the MET protein (p.Phe535Ser). This variant is not present in population databases (gnomAD no frequency). This variant has not been reported in the literature in individuals affected with MET-related conditions. ClinVar contains an entry for this variant (Variation ID: 1001228). Advanced modeling of protein sequence and biophysical properties (such as structural, functional, and spatial information, amino acid conservation, physicochemical variation, residue mobility, and thermodynamic stability) performed at Invitae indicates that this missense variant is expected to disrupt MET protein function with a positive predictive value of 80%. In summary, the available evidence is currently insufficient to determine the role of this variant in disease. Therefore, it has been classified as a Variant of Uncertain Significance.

NM_000245.4(MET):c.1604T>C (p.Phe535Ser)

Gene: MET (MET proto-oncogene, receptor tyrosine kinase; plus strand). Cytogenetic location: 7q31.2.
Variant type: single nucleotide variant.
Coding change: c.1604T>C on transcript NM_000245.4 (MANE Select); coding-DNA position 1604, T replaced by C.
Protein change: p.Phe535Ser; replaces phenylalanine 535 with serine.
Molecular consequence: missense variant.
Genome position (GRCh38, 1-based): chr7:116,740,928, T>C. VCF-style: chr7-116740928-T-C. GRCh37 (hg19) VCF-style: chr7-116380982-T-C.
Other names: c.1604T>C, p.Phe535Ser (NM_001127500.3, NM_001324401.3); c.314T>C, p.Phe105Ser (NM_001324402.2); c.1604T>C (NM_001127500.1); short protein forms F105S, F535S.
Identifiers: ClinVar variation 1001228 (VCV001001228.9), dbSNP rs1402713307, ClinGen allele CA368975405.